The following is an entry in ClinVar:

NM_001797.4(CDH11):c.133G>A (p.Gly45Arg)

Gene: CDH11 (cadherin 11; minus strand). Cytogenetic location: 16q21.
Variant type: single nucleotide variant.
Coding change: c.133G>A on transcript NM_001797.4 (MANE Select); coding-DNA position 133, G replaced by A.
Protein change: p.Gly45Arg; replaces glycine 45 with arginine.
Molecular consequence: missense variant. On other transcripts: intron variant (1).
Genome position (GRCh38, 1-based): chr16:65,004,737, C>T on the plus strand (G>A on the coding strand, the complement: CDH11 is on the minus strand). VCF-style: chr16-65004737-C-T. GRCh37 (hg19) VCF-style: chr16-65038640-C-T.
Other names: c.133G>A, p.Gly45Arg (NM_001308392.2); c.-150-5881G>A (NM_001330576.2); short protein forms G45R.
Identifiers: ClinVar variation 2102435 (VCV002102435.3), dbSNP rs767567167, ClinGen allele CA8092467.
Genomic context (GRCh38, chr16:65,004,737, plus strand): 5'-CCTCTATCACGAAGAACTGGTTCCAGACCCAGCCACGCTTGGAGCGCTGTAGCACCTGCC[C>T]CTCCTTGCCCTTCTCATGGTGCCCATGGAAGGAGGGCCGCAGGTGCCCCCGCCGCTCTGG-3'
Protein context (NP_001788.2, residues 35-55): FHGHHEKGKE[Gly45Arg]QVLQRSKRGW

ClinVar aggregate classification (germline): Uncertain significance. Review status: criteria provided, multiple submitters, no conflicts (2 of 4 stars). 2 submissions from 2 submitters: Uncertain significance (2). Last evaluated 2025-04-25.

Conditions:
Inborn genetic diseases. Identifiers: MedGen C0950123, MeSH D030342.

Allele frequency attached by ClinVar (database versions not stated): gnomAD 0.00001; TOPMed 0.00001.
gnomAD v4.1: 49 of 1,613,778 alleles (0.003%); highest among the groups gnomAD compares: Non-Finnish European, 0.0034%; no homozygotes.

Submissions (2):

Ambry Genetics
Classification: Uncertain significance for Inborn genetic diseases. Last evaluated: 2025-04-25. Review status: criteria provided, single submitter. Criteria: Ambry Variant Classification Scheme 2023. Collection method: clinical testing. Allele origin: germline.

Labcorp Genetics (formerly Invitae), Labcorp
Classification: Uncertain significance. Last evaluated: 2022-08-25. Review status: criteria provided, single submitter. Criteria: Invitae Variant Classification Sherloc (09022015). Collection method: clinical testing. Allele origin: germline.
Comment: This sequence change replaces glycine, which is neutral and non-polar, with arginine, which is basic and polar, at codon 45 of the CDH11 protein (p.Gly45Arg). This variant is present in population databases (rs767567167, gnomAD 0.003%). This variant has not been reported in the literature in individuals affected with CDH11-related conditions. Algorithms developed to predict the effect of missense changes on protein structure and function are either unavailable or do not agree on the potential impact of this missense change (SIFT: "Deleterious"; PolyPhen-2: "Possibly Damaging"; Align-GVGD: "Class C15"). In summary, the available evidence is currently insufficient to determine the role of this variant in disease. Therefore, it has been classified as a Variant of Uncertain Significance.